The following is an entry in ClinVar:

NM_002373.6(MAP1A):c.4591G>A (p.Glu1531Lys)

Gene: MAP1A (microtubule associated protein 1A; plus strand). Cytogenetic location: 15q15.3.
Variant type: single nucleotide variant.
Coding change: c.4591G>A on transcript NM_002373.6 (MANE Select); coding-DNA position 4591, G replaced by A.
Protein change: p.Glu1531Lys; replaces glutamic acid 1531 with lysine.
Molecular consequence: missense variant.
Genome position (GRCh38, 1-based): chr15:43,526,064, G>A. VCF-style: chr15-43526064-G-A. GRCh37 (hg19) VCF-style: chr15-43818262-G-A.
Other names: c.5305G>A, p.Glu1769Lys (NM_001411089.1); short protein forms E1531K, E1769K.
Identifiers: ClinVar variation 4885870 (VCV004885870.2).

ClinVar aggregate classification (germline): Uncertain significance (1 of 4 stars; one submission).

Submission:

Dasa
Classification: Uncertain significance. Last evaluated: 2025-11-20. Review status: criteria provided, single submitter. Criteria: DASA Assertion Criteria. Collection method: clinical testing. Allele origin: germline.
Comment: NM_002373.6(MAP1A):c.4591G>A (p.Glu1531Lys) is a missense variant that results in the substitution of glutamic acid with lysine. This variant is absent from population databases. Computational prediction algorithms are consistent with a benign effect. The currently available literature and clinical evidence are not sufficient to establish a definitive association between this variant and the reported condition. Therefore, this variant is classified as a variant of uncertain significance.